The following is an entry in ClinVar:

ClinVar aggregate classification (germline): Uncertain significance. Review status: criteria provided, multiple submitters, no conflicts (2 of 4 stars). 2 submissions from 2 submitters: Uncertain significance (2). Last evaluated 2026-01-19.

Allele frequency attached by ClinVar (database versions not stated): gnomAD 0.00005; TOPMed 0.00009; ExAC 0.00011; gnomAD exomes 0.00011; 1000 Genomes Project 30x 0.00016; 1000 Genomes Project 0.00020.
gnomAD v4.1: 57 of 1,603,934 alleles (0.0036%); highest among the groups gnomAD compares: East Asian, 0.083%; no homozygotes.

Submissions (2):

Women's Health and Genetics/Laboratory Corporation of America, LabCorp
Classification: Uncertain significance. Last evaluated: 2026-01-19. Review status: criteria provided, single submitter. Criteria: LabCorp Variant Classification Summary - May 2015. Collection method: clinical testing. Allele origin: germline.
Comment: Variant summary: LAMB1 c.5069T>C (p.Leu1690Ser) results in a non-conservative amino acid change in the encoded protein sequence. Algorithms developed to predict the effect of missense changes on protein structure and function all suggest that this variant is likely to be disruptive. The variant allele was found at a frequency of 0.00011 in 243788 control chromosomes. This frequency is not significantly higher than estimated for disease-causing variants in LAMB1, allowing no conclusion about variant significance. To our knowledge, no occurrence of c.5069T>C in individuals affected with LAMB1-related conditions and no experimental evidence demonstrating its impact on protein function have been reported. ClinVar contains an entry for this variant (Variation ID: 1441937). Based on the evidence outlined above, the variant was classified as uncertain significance.

Labcorp Genetics (formerly Invitae), Labcorp
Classification: Uncertain significance. Last evaluated: 2024-02-17. Review status: criteria provided, single submitter. Criteria: Invitae Variant Classification Sherloc (09022015). Collection method: clinical testing. Allele origin: germline.
Comment: This sequence change replaces leucine, which is neutral and non-polar, with serine, which is neutral and polar, at codon 1690 of the LAMB1 protein (p.Leu1690Ser). This variant is present in population databases (rs201564424, gnomAD 0.1%). This variant has not been reported in the literature in individuals affected with LAMB1-related conditions. ClinVar contains an entry for this variant (Variation ID: 1441937). An algorithm developed to predict the effect of missense changes on protein structure and function (PolyPhen-2) suggests that this variant is likely to be disruptive. In summary, the available evidence is currently insufficient to determine the role of this variant in disease. Therefore, it has been classified as a Variant of Uncertain Significance.

NM_002291.3(LAMB1):c.5069T>C (p.Leu1690Ser)

Gene: LAMB1 (laminin subunit beta 1; minus strand). Cytogenetic location: 7q31.1.
Variant type: single nucleotide variant.
Coding change: c.5069T>C on transcript NM_002291.3 (MANE Select); coding-DNA position 5069, T replaced by C.
Protein change: p.Leu1690Ser; replaces leucine 1690 with serine.
Molecular consequence: missense variant.
Genome position (GRCh38, 1-based): chr7:107,924,385, A>G on the plus strand (T>C on the coding strand, the complement: LAMB1 is on the minus strand). VCF-style: chr7-107924385-A-G. GRCh37 (hg19) VCF-style: chr7-107564830-A-G.
Other names: short protein forms L1690S.
Identifiers: ClinVar variation 1441937 (VCV001441937.9), dbSNP rs201564424, ClinGen allele CA4434837.